The following is an entry in ClinVar:

NM_001367561.1(DOCK7):c.3902T>C (p.Leu1301Pro)

Gene: DOCK7 (dedicator of cytokinesis 7; minus strand). Cytogenetic location: 1p31.3.
Variant type: single nucleotide variant.
Coding change: c.3902T>C on transcript NM_001367561.1 (MANE Select); coding-DNA position 3902, T replaced by C.
Protein change: p.Leu1301Pro; replaces leucine 1301 with proline.
Molecular consequence: missense variant.
Genome position (GRCh38, 1-based): chr1:62,528,185, A>G on the plus strand (T>C on the coding strand, the complement: DOCK7 is on the minus strand). VCF-style: chr1-62528185-A-G. GRCh37 (hg19) VCF-style: chr1-62993856-A-G.
Other names: c.3902T>C, p.Leu1301Pro (NM_001271999.2, NM_001330614.2); c.3809T>C, p.Leu1270Pro (NM_001272000.2, NM_001272001.2, NM_033407.4); short protein forms L1301P, L1270P.
Identifiers: ClinVar variation 2135726 (VCV002135726.4), dbSNP rs1571412476, ClinGen allele CA340599643.
Genomic context (GRCh38, chr1:62,528,185, plus strand): 5'-AAATTCTGTAGGAGGATTGTTTTTACCGTTGACGTGAGGAGGAAACTGCCAGGCCTTGTT[A>G]GTTGAGGGACCGATGTCCCTGCGATTGCCATGGCAACGGTCTGGCTTATCATACTTCCGC-3'
Protein context (NP_001354490.1, residues 1291-1311): MAIAGTSVPQ[Leu1301Pro]TRPGSFLLTS

ClinVar aggregate classification (germline): Uncertain significance (1 of 4 stars; one submission).

Conditions:
Developmental and epileptic encephalopathy, 23 (DEE23). Also called: Epileptic encephalopathy, early infantile, 23. Identifiers: Orphanet 411986, MedGen C4014492, MONDO:0014371, OMIM 615859.

Submission:

Labcorp Genetics (formerly Invitae), Labcorp
Classification: Uncertain significance for Developmental and epileptic encephalopathy, 23. Last evaluated: 2022-05-08. Review status: criteria provided, single submitter. Criteria: Invitae Variant Classification Sherloc (09022015). Collection method: clinical testing. Allele origin: germline.
Comment: In summary, the available evidence is currently insufficient to determine the role of this variant in disease. Therefore, it has been classified as a Variant of Uncertain Significance. Algorithms developed to predict the effect of missense changes on protein structure and function are either unavailable or do not agree on the potential impact of this missense change (SIFT: "Deleterious"; PolyPhen-2: "Benign"; Align-GVGD: "Class C0"). This variant has not been reported in the literature in individuals affected with DOCK7-related conditions. This variant is not present in population databases (gnomAD no frequency). This sequence change replaces leucine, which is neutral and non-polar, with proline, which is neutral and non-polar, at codon 1301 of the DOCK7 protein (p.Leu1301Pro).